The following is an entry in ClinVar:

NM_020634.3(GDF3):c.751G>A (p.Ala251Thr)

Gene: GDF3 (growth differentiation factor 3; minus strand). Cytogenetic location: 12p13.31.
Variant type: single nucleotide variant.
Coding change: c.751G>A on transcript NM_020634.3 (MANE Select); coding-DNA position 751, G replaced by A.
Protein change: p.Ala251Thr; replaces alanine 251 with threonine.
Molecular consequence: missense variant.
Genome position (GRCh38, 1-based): chr12:7,690,222, C>T on the plus strand (G>A on the coding strand, the complement: GDF3 is on the minus strand). VCF-style: chr12-7690222-C-T. GRCh37 (hg19) VCF-style: chr12-7842818-C-T.
Other names: short protein forms A251T.
Identifiers: ClinVar variation 946377 (VCV000946377.9), dbSNP rs764970795, ClinGen allele CA6429168.
Genomic context (GRCh38, chr12:7,690,222, plus strand): 5'-TGAATAGCTGGTGACGGTGGCAGAGGTTCTTACAAGAAAGCTTGGGGACAGGGATGGCTG[C>T]TCTCCTTTTCCGAGAAGGGTGGCACTGATCAGGGTTGAGAGTCACCACCAGCAGGGAAGC-3'
Protein context (NP_065685.1, residues 241-261): DQCHPSRKRR[Ala251Thr]AIPVPKLSCK

ClinVar aggregate classification (germline): Uncertain significance (1 of 4 stars; one submission).

Conditions:
Klippel-Feil syndrome 3, autosomal dominant (KFS3). Identifiers: Orphanet 2345, MedGen C3150967, MONDO:0013375, OMIM 613702.

Allele frequency attached by ClinVar (database versions not stated): ExAC 0.00001; gnomAD exomes 0.00001; TOPMed 0.00001.
gnomAD v4.1: 3 of 1,614,036 alleles (0.00019%); highest among the groups gnomAD compares: East Asian, 0.0067%; no homozygotes.

Submission:

Labcorp Genetics (formerly Invitae), Labcorp
Classification: Uncertain significance for Klippel-Feil syndrome 3, autosomal dominant. Last evaluated: 2024-02-24. Review status: criteria provided, single submitter. Criteria: Invitae Variant Classification Sherloc (09022015). Collection method: clinical testing. Allele origin: germline.
Comment: This sequence change replaces alanine, which is neutral and non-polar, with threonine, which is neutral and polar, at codon 251 of the GDF3 protein (p.Ala251Thr). This variant is present in population databases (rs764970795, gnomAD 0.01%). This missense change has been observed in individual(s) with congenital scoliosis (PMID: 29735971). ClinVar contains an entry for this variant (Variation ID: 946377). Advanced modeling of protein sequence and biophysical properties (such as structural, functional, and spatial information, amino acid conservation, physicochemical variation, residue mobility, and thermodynamic stability) performed at Invitae indicates that this missense variant is not expected to disrupt GDF3 protein function with a negative predictive value of 80%. In summary, the available evidence is currently insufficient to determine the role of this variant in disease. Therefore, it has been classified as a Variant of Uncertain Significance.

Literature cited by the submitters: PubMed 29735971.